The following is an entry in ClinVar:

NM_025137.4(SPG11):c.3646C>G (p.Leu1216Val)

Gene: SPG11 (SPG11 vesicle trafficking associated, spatacsin; minus strand). Cytogenetic location: 15q21.1.
Variant type: single nucleotide variant.
Coding change: c.3646C>G on transcript NM_025137.4 (MANE Select); coding-DNA position 3646, C replaced by G.
Protein change: p.Leu1216Val; replaces leucine 1216 with valine.
Molecular consequence: missense variant.
Genome position (GRCh38, 1-based): chr15:44,600,507, G>C on the plus strand (C>G on the coding strand, the complement: SPG11 is on the minus strand). VCF-style: chr15-44600507-G-C. GRCh37 (hg19) VCF-style: chr15-44892705-G-C.
Other names: c.3646C>G, p.Leu1216Val (NM_001160227.2); short protein forms L1216V.
Identifiers: ClinVar variation 1492055 (VCV001492055.6), dbSNP rs12902253, ClinGen allele CA270093476.

ClinVar aggregate classification (germline): Uncertain significance (1 of 4 stars; one submission).

Conditions:
Hereditary spastic paraplegia 11. Also called: Nakamura Osame syndrome; Autosomal recessive hereditary spastic paraplegia, mental impairment, and thin corpus callosum; SPASTIC PARAPLEGIA, AUTOSOMAL RECESSIVE, COMPLICATED, WITH THIN CORPUS CALLOSUM; SPASTIC PARAPLEGIA, AUTOSOMAL RECESSIVE, WITH MENTAL IMPAIRMENT AND THIN CORPUS CALLOSUM; Spastic paraplegia, mental retardation and thin corpus callosum; Spastic Paraplegia 11. Identifiers: Orphanet 2822, MedGen C1858479, MONDO:0011445, OMIM 604360.

Allele frequency attached by ClinVar (database versions not stated): gnomAD exomes below 0.00001.
gnomAD v4.1: 3 of 1,614,048 alleles (0.00019%); highest among the groups gnomAD compares: Non-Finnish European, 0.00025%; no homozygotes.

Submission:

Labcorp Genetics (formerly Invitae), Labcorp
Classification: Uncertain significance for Hereditary spastic paraplegia 11. Last evaluated: 2021-09-21. Review status: criteria provided, single submitter. Criteria: Invitae Variant Classification Sherloc (09022015). Collection method: clinical testing. Allele origin: germline.
Comment: This sequence change replaces leucine with valine at codon 1216 of the SPG11 protein (p.Leu1216Val). The leucine residue is highly conserved and there is a small physicochemical difference between leucine and valine. Algorithms developed to predict the effect of missense changes on protein structure and function are either unavailable or do not agree on the potential impact of this missense change (SIFT: "Deleterious"; PolyPhen-2: "Possibly Damaging"; Align-GVGD: "Class C15"). This variant is not present in population databases (ExAC no frequency). This variant has not been reported in the literature in individuals affected with SPG11-related conditions. In summary, the available evidence is currently insufficient to determine the role of this variant in disease. Therefore, it has been classified as a Variant of Uncertain Significance.